The following is an entry in ClinVar:

ClinVar aggregate classification (germline): Likely benign. Review status: criteria provided, single submitter (1 of 4 stars). 2 submissions from 2 submitters: Likely benign (1). 1 of the submissions does not count toward it. Last evaluated 2024-10-24.

Conditions:
PUS3-related disorder. Also called: PUS3-related condition.

Allele frequency attached by ClinVar (database versions not stated): ExAC 0.00004; ESP Exome Variant Server 0.00008; gnomAD exomes 0.00014; gnomAD 0.00017; TOPMed 0.00024.
gnomAD v4.1: 225 of 1,613,956 alleles (0.014%); highest among the groups gnomAD compares: Admixed American, 0.043%; no homozygotes.

Submissions (2):

Labcorp Genetics (formerly Invitae), Labcorp
Classification: Likely benign. Last evaluated: 2024-10-24. Review status: criteria provided, single submitter. Criteria: Invitae Variant Classification Sherloc (09022015). Collection method: clinical testing. Allele origin: germline.

PreventionGenetics, part of Exact Sciences
Classification: Likely benign for PUS3-related condition. Last evaluated: 2023-11-21. Review status: no assertion criteria provided. Collection method: clinical testing. Allele origin: germline. Not counted in ClinVar's aggregate classification.
Comment: This variant is classified as likely benign based on ACMG/AMP sequence variant interpretation guidelines (Richards et al. 2015 PMID: 25741868, with internal and published modifications).

NM_031307.4(PUS3):c.1149T>C (p.Asp383=)

Genes: HYLS1 (HYLS1 centriolar and ciliogenesis associated; plus strand), PUS3 (pseudouridine synthase 3; minus strand). Cytogenetic location: 11q24.2.
Variant type: single nucleotide variant.
Coding change: c.1149T>C on transcript NM_031307.4 (MANE Select); coding-DNA position 1149, T replaced by C.
Protein change: p.Asp383=; no amino-acid change (aspartic acid 383 retained).
Molecular consequence: synonymous variant. On other transcripts: intron variant (5).
Genome position (GRCh38, 1-based): chr11:125,894,082, A>G on the plus strand (T>C on the coding strand, the complement: PUS3 is on the minus strand). VCF-style: chr11-125894082-A-G. GRCh37 (hg19) VCF-style: chr11-125763977-A-G.
Other names: c.525T>C, p.Asp175= (NM_001271985.2); c.-81+2610A>G (NM_145014.3); c.-26+2610A>G (NM_001134793.2); c.-23+2610A>G (NM_001424364.1); c.-25-5262A>G (NM_001377269.1); c.-22-5265A>G (NM_001377270.1).
Identifiers: ClinVar variation 2193909 (VCV002193909.6), dbSNP rs140139093, ClinGen allele CA6350377.